The following is an entry in ClinVar:

NM_012123.4(MTO1):c.830A>G (p.Glu277Gly)

Gene: MTO1 (mitochondrial tRNA translation optimization 1; plus strand). Cytogenetic location: 6q13.
Variant type: single nucleotide variant.
Coding change: c.830A>G on transcript NM_012123.4 (MANE Select); coding-DNA position 830, A replaced by G.
Protein change: p.Glu277Gly; replaces glutamic acid 277 with glycine.
Molecular consequence: missense variant.
Genome position (GRCh38, 1-based): chr6:73,479,736, A>G. VCF-style: chr6-73479736-A-G. GRCh37 (hg19) VCF-style: chr6-74189459-A-G.
Other names: c.830A>G, p.Glu277Gly (NM_001123226.2, NM_133645.3); short protein forms E277G.
Identifiers: ClinVar variation 1405637 (VCV001405637.7), dbSNP rs368675393, ClinGen allele CA3889460.

ClinVar aggregate classification (germline): Uncertain significance (1 of 4 stars; one submission).

Conditions:
Mitochondrial hypertrophic cardiomyopathy with lactic acidosis due to MTO1 deficiency. Also called: CARDIOMYOPATHY, INFANTILE HYPERTROPHIC MITOCHONDRIAL, AND LACTIC ACIDOSIS; Combined oxidative phosphorylation deficiency 10. Identifiers: Orphanet 314637, MedGen C4749921, MONDO:0013865, OMIM 614702.

Allele frequency attached by ClinVar (database versions not stated): gnomAD 0.00003; ExAC 0.00003; ESP Exome Variant Server 0.00008; gnomAD exomes 0.00001; TOPMed 0.00003.
gnomAD v4.1: 14 of 1,609,292 alleles (0.00087%); highest among the groups gnomAD compares: Non-Finnish European, 0.0012%; no homozygotes.

Submission:

Labcorp Genetics (formerly Invitae), Labcorp
Classification: Uncertain significance for Mitochondrial hypertrophic cardiomyopathy with lactic acidosis due to MTO1 deficiency. Last evaluated: 2025-01-12. Review status: criteria provided, single submitter. Criteria: Invitae Variant Classification Sherloc (09022015). Collection method: clinical testing. Allele origin: germline.
Comment: This sequence change replaces glutamic acid, which is acidic and polar, with glycine, which is neutral and non-polar, at codon 277 of the MTO1 protein (p.Glu277Gly). This variant is present in population databases (rs368675393, gnomAD 0.004%). This variant has not been reported in the literature in individuals affected with MTO1-related conditions. ClinVar contains an entry for this variant (Variation ID: 1405637). Invitae Evidence Modeling of protein sequence and biophysical properties (such as structural, functional, and spatial information, amino acid conservation, physicochemical variation, residue mobility, and thermodynamic stability) indicates that this missense variant is not expected to disrupt MTO1 protein function with a negative predictive value of 80%. Algorithms developed to predict the effect of sequence changes on RNA splicing suggest that this variant may disrupt the consensus splice site. In summary, the available evidence is currently insufficient to determine the role of this variant in disease. Therefore, it has been classified as a Variant of Uncertain Significance.